The following is an entry in ClinVar:

ClinVar aggregate classification (germline): Uncertain significance (1 of 4 stars; one submission).

Submission:

Ambry Genetics
Classification: Uncertain significance. Last evaluated: 2024-08-14. Review status: criteria provided, single submitter. Criteria: Ambry Variant Classification Scheme 2023. Collection method: clinical testing. Allele origin: germline.
Comment: The p.E185K variant (also known as c.553G>A), located in coding exon 3 of the GALNT12 gene, results from a G to A substitution at nucleotide position 553. The glutamic acid at codon 185 is replaced by lysine, an amino acid with similar properties. This amino acid position is conserved. In addition, the in silico prediction for this alteration is inconclusive. Based on the available evidence, the clinical significance of this variant remains unclear.

NM_024642.5(GALNT12):c.553G>A (p.Glu185Lys)

Gene: GALNT12 (polypeptide N-acetylgalactosaminyltransferase 12; plus strand). Cytogenetic location: 9q22.33.
Variant type: single nucleotide variant.
Coding change: c.553G>A on transcript NM_024642.5 (MANE Select); coding-DNA position 553, G replaced by A.
Protein change: p.Glu185Lys; replaces glutamic acid 185 with lysine.
Molecular consequence: missense variant.
Genome position (GRCh38, 1-based): chr9:98,826,763, G>A. VCF-style: chr9-98826763-G-A. GRCh37 (hg19) VCF-style: chr9-101589045-G-A.
Other names: short protein forms E185K.
Identifiers: ClinVar variation 3518494 (VCV003518494.1).